The following is an entry in ClinVar:

NM_000218.3(KCNQ1):c.1795G>C (p.Val599Leu)

Genes: KCNQ1 (potassium voltage-gated channel subfamily Q member 1; plus strand), KCNQ1-AS1 (KCNQ1 antisense RNA 1; minus strand). Cytogenetic location: 11p15.4.
Variant type: single nucleotide variant.
Coding change: c.1795G>C on transcript NM_000218.3 (MANE Select); coding-DNA position 1795, G replaced by C.
Protein change: p.Val599Leu; replaces valine 599 with leucine.
Molecular consequence: missense variant.
Genome position (GRCh38, 1-based): chr11:2,847,767, G>C. VCF-style: chr11-2847767-G-C. GRCh37 (hg19) VCF-style: chr11-2868997-G-C.
Other names: c.1414G>C, p.Val472Leu (NM_181798.2); c.1699G>C, p.Val567Leu (NM_001406836.1); c.1525G>C, p.Val509Leu (NM_001406837.1); c.1255G>C, p.Val419Leu (NM_001406838.1); c.307G>C, p.Val103Leu (NM_001406839.1); short protein forms V419L, V509L, V103L, V472L, V567L, V599L.
Identifiers: ClinVar variation 2709768 (VCV002709768.4), dbSNP rs1848361040, ClinGen allele CA379140176.

ClinVar aggregate classification (germline): Uncertain significance. Review status: criteria provided, multiple submitters, no conflicts (2 of 4 stars). 2 submissions from 2 submitters: Uncertain significance (2). Last evaluated 2026-04-13.

Conditions:
Atrial fibrillation, familial, 3 (ATFB3). Identifiers: MedGen C1837014, MONDO:0011857, OMIM 607554.
Long QT syndrome (LQTS). Identifiers: MedGen C0023976, MeSH D008133, MONDO:0002442. Disease mechanism: loss of function. Inheritance: Various modes of inheritance.

Submissions (2):

Institute of Human Genetics, Cologne University
Classification: Uncertain significance for Atrial fibrillation, familial, 3. Last evaluated: 2026-04-13. Review status: criteria provided, single submitter. Criteria: ACMG Guidelines, 2015. Collection method: clinical testing. Allele origin: unknown.

Labcorp Genetics (formerly Invitae), Labcorp
Classification: Uncertain significance for Long QT syndrome. Last evaluated: 2024-08-27. Review status: criteria provided, single submitter. Criteria: Invitae Variant Classification Sherloc (09022015). Collection method: clinical testing. Allele origin: germline.
Comment: This sequence change replaces valine, which is neutral and non-polar, with leucine, which is neutral and non-polar, at codon 599 of the KCNQ1 protein (p.Val599Leu). This variant is not present in population databases (gnomAD no frequency). This variant has not been reported in the literature in individuals affected with KCNQ1-related conditions. An algorithm developed to predict the effect of missense changes on protein structure and function (PolyPhen-2) suggests that this variant is likely to be tolerated. In summary, the available evidence is currently insufficient to determine the role of this variant in disease. Therefore, it has been classified as a Variant of Uncertain Significance.